The following is an entry in ClinVar:

ClinVar aggregate classification (germline): Uncertain significance (1 of 4 stars; one submission).

Conditions:
Catecholaminergic polymorphic ventricular tachycardia 1. Also called: VENTRICULAR TACHYCARDIA, STRESS-INDUCED POLYMORPHIC 1; VENTRICULAR TACHYCARDIA, CATECHOLAMINERGIC POLYMORPHIC, 1, WITH OR WITHOUT ATRIAL DYSFUNCTION AND/OR DILATED CARDIOMYOPATHY; RYR2-Related Catecholaminergic Polymorphic Ventricular Tachycardia. Identifiers: Orphanet 3286, MedGen C1631597, MONDO:0011484, OMIM 604772.

Submission:

Labcorp Genetics (formerly Invitae), Labcorp
Classification: Uncertain significance for Catecholaminergic polymorphic ventricular tachycardia 1. Last evaluated: 2022-10-10. Review status: criteria provided, single submitter. Criteria: Invitae Variant Classification Sherloc (09022015). Collection method: clinical testing. Allele origin: germline.
Comment: In summary, the available evidence is currently insufficient to determine the role of this variant in disease. Therefore, it has been classified as a Variant of Uncertain Significance. Algorithms developed to predict the effect of sequence changes on RNA splicing suggest that this variant may disrupt the consensus splice site. This variant has not been reported in the literature in individuals affected with RYR2-related conditions. This variant is not present in population databases (gnomAD no frequency). This sequence change creates a premature translational stop signal (p.Gln1602*) in the RYR2 gene. It is expected to result in an absent or disrupted protein product. However, the current clinical and genetic evidence is not sufficient to establish whether loss-of-function variants in RYR2 cause disease.

NM_001035.3(RYR2):c.4804C>T (p.Gln1602Ter)

Gene: RYR2 (ryanodine receptor 2; plus strand). Cytogenetic location: 1q43.
Variant type: single nucleotide variant.
Coding change: c.4804C>T on transcript NM_001035.3 (MANE Select); coding-DNA position 4804, C replaced by T.
Protein change: p.Gln1602Ter; replaces glutamine 1602 with a stop codon.
Molecular consequence: nonsense.
Genome position (GRCh38, 1-based): chr1:237,610,882, C>T. VCF-style: chr1-237610882-C-T. GRCh37 (hg19) VCF-style: chr1-237774182-C-T.
Other names: short protein forms Q1602*.
Identifiers: ClinVar variation 2905746 (VCV002905746.3), dbSNP rs2546767275, ClinGen allele CA345402630.